The following is an entry in ClinVar:

NM_001368809.2(AMPD2):c.2216A>G (p.Asp739Gly)

Gene: AMPD2 (adenosine monophosphate deaminase 2; plus strand). Cytogenetic location: 1p13.3.
Variant type: single nucleotide variant.
Coding change: c.2216A>G on transcript NM_001368809.2 (MANE Select); coding-DNA position 2216, A replaced by G.
Protein change: p.Asp739Gly; replaces aspartic acid 739 with glycine.
Molecular consequence: missense variant.
Genome position (GRCh38, 1-based): chr1:109,630,741, A>G. VCF-style: chr1-109630741-A-G. GRCh37 (hg19) VCF-style: chr1-110173363-A-G.
Other names: c.2024A>G, p.Asp675Gly (NM_001257361.2); c.2153A>G, p.Asp718Gly (NM_001308170.1); c.2216A>G, p.Asp739Gly (NM_004037.9); c.2135A>G, p.Asp712Gly (NM_139156.4); c.2378A>G (NM_001257360.1); short protein forms D675G, D712G, D718G, D739G.
Identifiers: ClinVar variation 429760 (VCV000429760.3), dbSNP rs1131691574, ClinGen allele CA341562977.

ClinVar aggregate classification (germline): Conflicting classifications of pathogenicity. Review status: criteria provided, conflicting classifications (1 of 4 stars). 2 submissions from 2 submitters: Likely pathogenic (1); Uncertain significance (1). Last evaluated 2025-07-30.

Submissions (2):

Women's Health and Genetics/Laboratory Corporation of America, LabCorp
Classification: Uncertain significance. Last evaluated: 2025-07-30. Review status: criteria provided, single submitter. Criteria: LabCorp Variant Classification Summary - May 2015. Collection method: clinical testing. Allele origin: germline.
Comment: Variant summary: AMPD2 c.2216A>G (p.Asp739Gly) results in a non-conservative amino acid change in the encoded protein sequence. Algorithms developed to predict the effect of missense changes on protein structure and function all suggest that this variant is likely to be disruptive. The variant was absent in 245488 control chromosomes. The available data on variant occurrences in the general population are insufficient to allow any conclusion about variant significance. To our knowledge, no occurrence of c.2216A>G in individuals affected with Pontocerebellar Hypoplasia, Type 9 and no experimental evidence demonstrating its impact on protein function have been reported. ClinVar contains an entry for this variant (Variation ID: 429760). Based on the evidence outlined above, the variant was classified as uncertain significance.

GeneDx
Classification: Likely pathogenic. Last evaluated: 2017-05-12. Review status: criteria provided, single submitter. Criteria: GeneDx Variant Classification (06012015). Collection method: clinical testing. Allele origin: germline. Affected: yes.
Comment: The D793G variant in the AMPD2 gene has not been reported previously as a pathogenic variant, nor as a benign variant, to our knowledge. The D793G variant is not observed in large population cohorts (Lek et al., 2016; 1000 Genomes Consortium et al., 2015; Exome Variant Server). The D793G variant is a non-conservative amino acid substitution, which is likely to impact secondary protein structure as these residues differ in polarity, charge, size and/or other properties. In addition, this substitution occurs at a position that is conserved across species, and in silico analysis predicts this variant is probably damaging to the protein structure/function. A missense variant at the same residue (D793Y) has been reported previously in association with AMPD2-related pontocerebellar hypoplasia (Akizu et al., 2013), supporting the functional importance of this residue of the protein. We interpret D793G as a likely pathogenic variant.